The following is an entry in ClinVar:

NM_031407.7(HUWE1):c.8288G>T (p.Gly2763Val)

Gene: HUWE1 (HECT, UBA and WWE domain containing E3 ubiquitin protein ligase 1; minus strand). Cytogenetic location: Xp11.22.
Variant type: single nucleotide variant.
Coding change: c.8288G>T on transcript NM_031407.7 (MANE Select); coding-DNA position 8288, G replaced by T.
Protein change: p.Gly2763Val; replaces glycine 2763 with valine.
Molecular consequence: missense variant.
Genome position (GRCh38, 1-based): chrX:53,554,839, C>A on the plus strand (G>T on the coding strand, the complement: HUWE1 is on the minus strand). VCF-style: chrX-53554839-C-A. GRCh37 (hg19) VCF-style: chrX-53581800-C-A.
Other names: c.8285G>T, p.Gly2762Val (NM_001441048.1, NM_001441051.1, NM_001441053.1 and 2 more transcripts); c.8288G>T, p.Gly2763Val (NM_001441049.1, NM_001441054.1, NM_001441057.1); c.8309G>T, p.Gly2770Val (NM_001441050.1, NM_001441055.1); c.7886G>T, p.Gly2629Val (NM_001441052.1); short protein forms G2762V, G2763V, G2770V, G2629V.
Identifiers: ClinVar variation 4977313 (VCV004977313.1).
Genomic context (GRCh38, chrX:53,554,839, plus strand): 5'-ACCTCTCCCAAAGCTGGTGGGGTTGGGAGTGTTGGTTGCTGTTGTGAGGATTGCAGAGTG[C>A]CAAGGGTCTCCTTGGACTCAGATGTAGCTGCATCAGTTGAAGATGGGGTTGTTGGGTAGC-3'
Protein context (NP_113584.3, residues 2753-2773): AATSESKETL[Gly2763Val]TLQSSQQQPT

ClinVar aggregate classification (germline): Uncertain significance (1 of 4 stars; one submission).

Conditions:
HUWE1-related disorder. Also called: HUWE1-related condition.

gnomAD v4.1: 17 of 1,208,179 alleles (0.0014%); highest among the groups gnomAD compares: Non-Finnish European, 0.0019%; no homozygotes.

Submission:

PreventionGenetics, part of Exact Sciences
Classification: Uncertain significance for HUWE1-related condition. Last evaluated: 2025-10-08. Review status: criteria provided, single submitter. Criteria: ACMG Guidelines, 2015. Collection method: clinical testing. Allele origin: germline.
Comment: The HUWE1 c.8288G>T variant is predicted to result in the amino acid substitution p.Gly2763Val. To our knowledge, this variant has not been reported in the literature or in a large population database (gnomAD), indicating this variant is rare. At this time, the clinical significance of this variant is uncertain due to the absence of conclusive functional and genetic evidence.